The following is an entry in ClinVar:

ClinVar aggregate classification (germline): Uncertain significance. Review status: criteria provided, multiple submitters, no conflicts (2 of 4 stars). 2 submissions from 2 submitters: Uncertain significance (2). Last evaluated 2024-04-25.

Conditions:
Wiedemann-Steiner syndrome (WDSTS). Also called: Growth deficiency and mental retardation with facial dysmorphism. Identifiers: Orphanet 319182, MedGen C1854630, MONDO:0011518, OMIM 605130.

Allele frequency attached by ClinVar (database versions not stated): gnomAD exomes below 0.00001; gnomAD 0.00001; TOPMed 0.00001.

Submissions (2):

Labcorp Genetics (formerly Invitae), Labcorp
Classification: Uncertain significance. Last evaluated: 2024-04-25. Review status: criteria provided, single submitter. Criteria: Invitae Variant Classification Sherloc (09022015). Collection method: clinical testing. Allele origin: germline.
Comment: This sequence change replaces arginine, which is basic and polar, with histidine, which is basic and polar, at codon 1478 of the KMT2A protein (p.Arg1478His). This variant is present in population databases (no rsID available, gnomAD 0.003%). This variant has not been reported in the literature in individuals affected with KMT2A-related conditions. ClinVar contains an entry for this variant (Variation ID: 1696699). Advanced modeling of protein sequence and biophysical properties (such as structural, functional, and spatial information, amino acid conservation, physicochemical variation, residue mobility, and thermodynamic stability) has been performed at Invitae for this missense variant, however the output from this modeling did not meet the statistical confidence thresholds required to predict the impact of this variant on KMT2A protein function. In summary, the available evidence is currently insufficient to determine the role of this variant in disease. Therefore, it has been classified as a Variant of Uncertain Significance.

New York Genome Center
Classification: Uncertain significance for Wiedemann-Steiner syndrome. Last evaluated: 2021-08-06. Review status: criteria provided, single submitter. Criteria: NYGC Assertion Criteria 2020. Collection method: clinical testing. Allele origin: inherited. Observed: 1 heterozygote. Study: CSER-NYCKidSeq.

NM_001197104.2(KMT2A):c.4433G>A (p.Arg1478His)

Gene: KMT2A (lysine methyltransferase 2A; plus strand). Cytogenetic location: 11q23.3.
Variant type: single nucleotide variant.
Coding change: c.4433G>A on transcript NM_001197104.2 (MANE Select); coding-DNA position 4433, G replaced by A.
Protein change: p.Arg1478His; replaces arginine 1478 with histidine.
Molecular consequence: missense variant.
Genome position (GRCh38, 1-based): chr11:118,488,714, G>A. VCF-style: chr11-118488714-G-A. GRCh37 (hg19) VCF-style: chr11-118359429-G-A.
Other names: c.4433G>A, p.Arg1478His (NM_005933.4); short protein forms R1478H.
Identifiers: ClinVar variation 1696699 (VCV001696699.7), dbSNP rs1555041629, ClinGen allele CA382832608.